The following is an entry in ClinVar:

ClinVar aggregate classification (germline): Uncertain significance (1 of 4 stars; one submission).

Submission:

Labcorp Genetics (formerly Invitae), Labcorp
Classification: Uncertain significance. Last evaluated: 2025-11-12. Review status: criteria provided, single submitter. Criteria: Invitae Variant Classification Sherloc (09022015). Collection method: clinical testing. Allele origin: germline.
Comment: This sequence change replaces alanine, which is neutral and non-polar, with threonine, which is neutral and polar, at codon 790 of the MYO5B protein (p.Ala790Thr). This variant is not present in population databases (gnomAD no frequency). This variant has not been reported in the literature in individuals affected with MYO5B-related conditions. Invitae Evidence Modeling of protein sequence and biophysical properties (such as structural, functional, and spatial information, amino acid conservation, physicochemical variation, residue mobility, and thermodynamic stability) indicates that this missense variant is not expected to disrupt MYO5B protein function with a negative predictive value of 80%. In summary, the available evidence is currently insufficient to determine the role of this variant in disease. Therefore, it has been classified as a Variant of Uncertain Significance.

NM_001080467.3(MYO5B):c.2368G>A (p.Ala790Thr)

Gene: MYO5B (myosin VB; minus strand). Cytogenetic location: 18q21.1.
Variant type: single nucleotide variant.
Coding change: c.2368G>A on transcript NM_001080467.3 (MANE Select); coding-DNA position 2368, G replaced by A.
Protein change: p.Ala790Thr; replaces alanine 790 with threonine.
Molecular consequence: missense variant.
Genome position (GRCh38, 1-based): chr18:49,906,465, C>T on the plus strand (G>A on the coding strand, the complement: MYO5B is on the minus strand). VCF-style: chr18-49906465-C-T. GRCh37 (hg19) VCF-style: chr18-47432835-C-T.
Other names: short protein forms A790T.
Identifiers: ClinVar variation 4776313 (VCV004776313.1).